The following is an entry in ClinVar:

NM_173630.4(RTTN):c.4162G>A (p.Gly1388Arg)

Gene: RTTN (rotatin; minus strand). Cytogenetic location: 18q22.2.
Variant type: single nucleotide variant.
Coding change: c.4162G>A on transcript NM_173630.4 (MANE Select); coding-DNA position 4162, G replaced by A.
Protein change: p.Gly1388Arg; replaces glycine 1388 with arginine.
Molecular consequence: missense variant.
Genome position (GRCh38, 1-based): chr18:70,088,129, C>T on the plus strand (G>A on the coding strand, the complement: RTTN is on the minus strand). VCF-style: chr18-70088129-C-T. GRCh37 (hg19) VCF-style: chr18-67755365-C-T.
Other names: c.1426G>A, p.Gly476Arg (NM_001318520.2); short protein forms G476R, G1388R.
Identifiers: ClinVar variation 1953815 (VCV001953815.4), dbSNP rs767996960, ClinGen allele CA8995362.

ClinVar aggregate classification (germline): Uncertain significance (1 of 4 stars; one submission).

Allele frequency attached by ClinVar (database versions not stated): ExAC 0.00001; gnomAD exomes 0.00001.
gnomAD v4.1: 10 of 1,612,590 alleles (0.00062%); highest among the groups gnomAD compares: Non-Finnish European, 0.00085%; no homozygotes.

Submission:

Labcorp Genetics (formerly Invitae), Labcorp
Classification: Uncertain significance. Last evaluated: 2024-10-26. Review status: criteria provided, single submitter. Criteria: Invitae Variant Classification Sherloc (09022015). Collection method: clinical testing. Allele origin: germline.
Comment: This sequence change replaces glycine, which is neutral and non-polar, with arginine, which is basic and polar, at codon 1388 of the RTTN protein (p.Gly1388Arg). This variant is present in population databases (rs767996960, gnomAD 0.0009%). This variant has not been reported in the literature in individuals affected with RTTN-related conditions. ClinVar contains an entry for this variant (Variation ID: 1953815). Invitae Evidence Modeling of protein sequence and biophysical properties (such as structural, functional, and spatial information, amino acid conservation, physicochemical variation, residue mobility, and thermodynamic stability) indicates that this missense variant is expected to disrupt RTTN protein function with a positive predictive value of 80%. In summary, the available evidence is currently insufficient to determine the role of this variant in disease. Therefore, it has been classified as a Variant of Uncertain Significance.